The following is an entry in ClinVar:

NM_001388308.1(KIF12):c.1303G>T (p.Glu435Ter)

Gene: KIF12 (kinesin family member 12; minus strand). Cytogenetic location: 9q32.
Variant type: single nucleotide variant.
Coding change: c.1303G>T on transcript NM_001388308.1 (MANE Select); coding-DNA position 1303, G replaced by T.
Protein change: p.Glu435Ter; replaces glutamic acid 435 with a stop codon.
Molecular consequence: nonsense.
Genome position (GRCh38, 1-based): chr9:114,094,191, C>A on the plus strand (G>T on the coding strand, the complement: KIF12 is on the minus strand). VCF-style: chr9-114094191-C-A. GRCh37 (hg19) VCF-style: chr9-116856471-C-A.
Other names: c.889G>T, p.Glu297Ter (NM_138424.2); short protein forms E297*, E435*.
Identifiers: ClinVar variation 4978140 (VCV004978140.1).

ClinVar aggregate classification (germline): Likely pathogenic (1 of 4 stars; one submission).

Conditions:
KIF12-related disorder. Also called: KIF12-related condition.

gnomAD v4.1: 4 of 1,613,698 alleles (0.00025%); highest among the groups gnomAD compares: African/African-American, 0.004%; no homozygotes.

Submission:

PreventionGenetics, part of Exact Sciences
Classification: Likely pathogenic for KIF12-related condition. Last evaluated: 2026-06-26. Review status: criteria provided, single submitter. Criteria: ACMG Guidelines, 2015. Collection method: clinical testing. Allele origin: germline.
Comment: The KIF12 c.889G>T variant is predicted to result in premature protein termination (p.Glu297*). To our knowledge, this variant has not been reported in the literature. This variant is reported in 0.0029% of alleles in individuals of Latino descent in gnomAD. Nonsense variants in KIF12 are expected to be pathogenic. This variant is interpreted as likely pathogenic.